The following is an entry in ClinVar:

NM_001082538.3(TCTN1):c.202C>G (p.Pro68Ala)

Gene: TCTN1 (tectonic family member 1; plus strand). Cytogenetic location: 12q24.11.
Variant type: single nucleotide variant.
Coding change: c.202C>G on transcript NM_001082538.3 (MANE Select); coding-DNA position 202, C replaced by G.
Protein change: p.Pro68Ala; replaces proline 68 with alanine.
Molecular consequence: missense variant. On other transcripts: 5 prime UTR variant (4), non-coding transcript variant (1).
Genome position (GRCh38, 1-based): chr12:110,614,384, C>G. VCF-style: chr12-110614384-C-G. GRCh37 (hg19) VCF-style: chr12-111052189-C-G.
Other names: c.202C>G, p.Pro68Ala (NM_001082537.3, NM_001319680.2, NM_024549.6); c.-28C>G (NM_001173975.3, NM_001319682.3); c.-55C>G (NM_001173976.2); c.-506C>G (NM_001319681.2); short protein forms P68A.
Identifiers: ClinVar variation 2093395 (VCV002093395.4), dbSNP rs2548754352, ClinGen allele CA386700793.
Genomic context (GRCh38, chr12:110,614,384, plus strand): 5'-TTCCCGTCGACCAGGCCCCCCGGGACTCCCAGGGCTCCAGGGCCCTCCTCCGGCCCCAGG[C>G]CTACCCCAGTCACGGACGGTGGGTACCATGTGCCAGCTCCTGGAGTCCACAGTGATCCAA-3'
Protein context (NP_001076007.1, residues 58-78): RAPGPSSGPR[Pro68Ala]TPVTDVAVLC

ClinVar aggregate classification (germline): Uncertain significance (1 of 4 stars; one submission).

Conditions:
Joubert syndrome. Also called: CEREBELLOPARENCHYMAL DISORDER IV; JOUBERT-BOLTSHAUSER SYNDROME; Familial aplasia of the vermis. Identifiers: Orphanet 475, MedGen C5979921, MONDO:0018772.
Meckel-Gruber syndrome. Also called: DYSENCEPHALIA SPLANCHNOCYSTICA; GRUBER SYNDROME; Dysencephalia splachnocystica. Identifiers: Orphanet 564, MedGen C0265215, MONDO:0018921.

Submission:

Labcorp Genetics (formerly Invitae), Labcorp
Classification: Uncertain significance for Joubert syndrome; Meckel-Gruber syndrome. Last evaluated: 2023-04-05. Review status: criteria provided, single submitter. Criteria: Invitae Variant Classification Sherloc (09022015). Collection method: clinical testing. Allele origin: germline.
Comment: This variant is not present in population databases (gnomAD no frequency). This variant has not been reported in the literature in individuals affected with TCTN1-related conditions. ClinVar contains an entry for this variant (Variation ID: 2093395). Advanced modeling of protein sequence and biophysical properties (such as structural, functional, and spatial information, amino acid conservation, physicochemical variation, residue mobility, and thermodynamic stability) performed at Invitae indicates that this missense variant is expected to disrupt TCTN1 protein function. In summary, the available evidence is currently insufficient to determine the role of this variant in disease. Therefore, it has been classified as a Variant of Uncertain Significance. This sequence change replaces proline, which is neutral and non-polar, with alanine, which is neutral and non-polar, at codon 68 of the TCTN1 protein (p.Pro68Ala).